The following is an entry in ClinVar:

NM_000059.4(BRCA2):c.8039A>G (p.Asp2680Gly)

Gene: BRCA2 (BRCA2 DNA repair associated; plus strand). Cytogenetic location: 13q13.1.
Variant type: single nucleotide variant.
Coding change: c.8039A>G on transcript NM_000059.4 (MANE Select); coding-DNA position 8039, A replaced by G.
Protein change: p.Asp2680Gly; replaces aspartic acid 2680 with glycine.
Molecular consequence: missense variant.
Genome position (GRCh38, 1-based): chr13:32,363,241, A>G. VCF-style: chr13-32363241-A-G. GRCh37 (hg19) VCF-style: chr13-32937378-A-G.
Other names: short protein forms D2680G.
Identifiers: ClinVar variation 52482 (VCV000052482.18), dbSNP rs80359042, ClinGen allele CA025418.

ClinVar aggregate classification (germline): Conflicting classifications of pathogenicity. Review status: criteria provided, conflicting classifications (1 of 4 stars). 8 submissions from 8 submitters: Uncertain significance (6); Likely benign (1). 1 of the submissions does not count toward it. Last evaluated 2024-09-13.

Conditions:
Hereditary breast ovarian cancer syndrome. Also called: Hereditary breast and ovarian cancer syndrome; Hereditary breast and ovarian cancer; Hereditary breast and ovarian cancer syndrome (HBOC); Breast and ovarian cancer; Hereditary breast and/or ovarian cancer syndrome; BRCA1- and BRCA2-Associated Hereditary Breast and Ovarian Cancer. Identifiers: Orphanet 145, MedGen C0677776, MeSH D061325, MONDO:0003582. Disease mechanism: loss of function.
Inherited ovarian cancer (without breast cancer).
Familial pancreatic carcinoma. Identifiers: Orphanet 1333, MedGen C2931038, MONDO:0015278, OMIM 260350.
Hereditary cancer-predisposing syndrome. Also called: Neoplastic Syndromes, Hereditary; Tumor predisposition; Hereditary neoplastic syndrome; Hereditary Cancer Syndrome. Identifiers: Orphanet 140162, MedGen C0027672, MeSH D009386, MONDO:0015356.
Breast-ovarian cancer, familial, susceptibility to, 2 (BROVCA2). Also called: BRCA2 Hereditary Breast and Ovarian Cancer. Identifiers: Orphanet 145, MedGen C2675520, MONDO:0012933, OMIM 612555. Disease mechanism: loss of function.

Allele frequency attached by ClinVar (database versions not stated): gnomAD exomes 0.00001.
gnomAD v4.1: 14 of 1,614,090 alleles (0.00087%); highest among the groups gnomAD compares: Non-Finnish European, 0.001%; no homozygotes.

Submissions (8):

Genomics and Molecular Medicine Service, East Genomic Laboratory Hub, NHS Genomic Medicine Service
Classification: Uncertain significance for Inherited ovarian cancer (without breast cancer). Last evaluated: 2024-09-13. Review status: criteria provided, single submitter. Criteria: ACGS Best Practice Guidelines for Variant Classification in Rare Disease 2020. Collection method: clinical testing. Allele origin: germline. Affected: yes.
Comment: PP3,BS3_Strong

Labcorp Genetics (formerly Invitae), Labcorp
Classification: Uncertain significance for Hereditary breast ovarian cancer syndrome. Last evaluated: 2024-04-22. Review status: criteria provided, single submitter. Criteria: Invitae Variant Classification Sherloc (09022015). Collection method: clinical testing. Allele origin: germline.
Comment: This sequence change replaces aspartic acid, which is acidic and polar, with glycine, which is neutral and non-polar, at codon 2680 of the BRCA2 protein (p.Asp2680Gly). This variant is not present in population databases (gnomAD no frequency). This missense change has been observed in individual(s) with breast cancer (PMID: 20104584). This variant is also known as c.8267A>G. ClinVar contains an entry for this variant (Variation ID: 52482). Advanced modeling performed at Invitae incorporating data from internal and/or published experimental studies (PMID: 33609447) indicates that this missense variant is not expected to disrupt BRCA2 function with a negative predictive value of 95%. Experimental studies have shown that this missense change does not substantially affect BRCA2 function (PMID: 29394989). In summary, the available evidence is currently insufficient to determine the role of this variant in disease. Therefore, it has been classified as a Variant of Uncertain Significance.

All of Us Research Program, National Institutes of Health
Classification: Uncertain significance for Breast-ovarian cancer, familial, susceptibility to, 2. Last evaluated: 2023-11-20. Review status: criteria provided, single submitter. Criteria: ACMG Guidelines, 2015. Collection method: clinical testing. Allele origin: germline. Inheritance: Autosomal dominant inheritance. Observed: 1 variant allele, 1 heterozygote.
Comment: This missense variant replaces aspartic acid with glycine at codon 2680 of the BRCA2 protein. Computational prediction suggests that this variant may have deleterious impact on protein structure and function (internally defined REVEL score threshold >= 0.7, PMID: 27666373). Functional studies have shown that this variant does not impact homology-directed DNA repair activity (PMID: 29394989, 29884841). This variant has been reported in one individual affected with breast cancer (PMID: 20104584) and one unaffected individual (PMID: 33471991; Leiden Open Variation Database DB-ID BRCA2_000267). This variant has not been identified in the general population by the Genome Aggregation Database (gnomAD). The available evidence is insufficient to determine the role of this variant in disease conclusively. Therefore, this variant is classified as a Variant of Uncertain Significance.

This study involves interpretation of variants in research participants for the purpose of population health screening. Participant phenotype was not available at the time of variant classification. Additional details can be found in publication PMID: 35346344, PMCID: PMC8962531

Color Diagnostics, LLC DBA Color Health
Classification: Uncertain significance for Hereditary cancer-predisposing syndrome. Last evaluated: 2023-05-23. Review status: criteria provided, single submitter. Criteria: ACMG Guidelines, 2015. Collection method: clinical testing. Allele origin: germline.
Comment: This missense variant replaces aspartic acid with glycine at codon 2680 of the BRCA2 protein. Computational prediction suggests that this variant may have deleterious impact on protein structure and function (internally defined REVEL score threshold >= 0.7, PMID: 27666373). Functional studies have shown that this variant does not impact homology-directed DNA repair activity (PMID: 29394989, 29884841). This variant has been reported in one individual affected with breast cancer (PMID: 20104584) and one unaffected individual (PMID: 33471991; Leiden Open Variation Database DB-ID BRCA2_000267). This variant has not been identified in the general population by the Genome Aggregation Database (gnomAD). The available evidence is insufficient to determine the role of this variant in disease conclusively. Therefore, this variant is classified as a Variant of Uncertain Significance.

Department of Pathology and Laboratory Medicine, Sinai Health System
Classification: Uncertain significance for Familial pancreatic carcinoma. Last evaluated: 2021-12-03. Review status: criteria provided, single submitter. Criteria: ACMG Guidelines, 2015. Collection method: clinical testing. Allele origin: germline. Affected: yes.

Genetic Services Laboratory, University of Chicago
Classification: Uncertain significance. Last evaluated: 2020-12-11. Review status: criteria provided, single submitter. Criteria: ACMG Guidelines, 2015. Collection method: clinical testing. Allele origin: germline. Affected: no.

Ambry Genetics
Classification: Likely benign for Hereditary cancer-predisposing syndrome. Last evaluated: 2020-12-01. Review status: criteria provided, single submitter. Criteria: Ambry Variant Classification Scheme 2023. Collection method: clinical testing. Allele origin: germline.

Breast Cancer Information Core (BIC) (BRCA2)
Classification: Uncertain significance for Breast-ovarian cancer, familial 2. Last evaluated: 2004-02-20. Review status: no assertion criteria provided. Collection method: clinical testing. Allele origin: germline. Affected: yes. Observed: 2 variant alleles. Not counted in ClinVar's aggregate classification.

Literature cited by the submitters: PubMed 20104584 (cited by 5 submitters); PubMed 33609447 (cited by Labcorp Genetics (formerly Invitae), Labcorp); PubMed 29394989 (cited by 5 submitters); PubMed 29884841 (cited by 3 submitters); PubMed 33471991 (cited by All of Us Research Program, National Institutes of Health and Color Diagnostics, LLC DBA Color Health); PubMed 19043619 (cited by Ambry Genetics).